The following is an entry in ClinVar:

ClinVar aggregate classification (germline): Pathogenic (1 of 4 stars; one submission).

Conditions:
Primary ciliary dyskinesia. Also called: Ciliary dyskinesia. Identifiers: Orphanet 244, MedGen C0008780, MONDO:0016575, HP:0012265.

Allele frequency attached by ClinVar (database versions not stated): gnomAD 0.00001.

Submission:

Labcorp Genetics (formerly Invitae), Labcorp
Classification: Pathogenic for Primary ciliary dyskinesia. Last evaluated: 2023-05-01. Review status: criteria provided, single submitter. Criteria: Invitae Variant Classification Sherloc (09022015). Collection method: clinical testing. Allele origin: germline.
Comment: This sequence change results in a frameshift in the DNAH11 gene (p.Lys4497Ilefs*26). While this is not anticipated to result in nonsense mediated decay, it is expected to disrupt the last 20 amino acid(s) of the DNAH11 protein and extend the protein by 5 additional amino acid residues. This variant is not present in population databases (gnomAD no frequency). This variant has not been reported in the literature in individuals affected with DNAH11-related conditions. This variant disrupts a region of the DNAH11 protein in which other variant(s) (p.Trp4505Serfs*10) have been determined to be pathogenic (Invitae). This suggests that this is a clinically significant region of the protein, and that variants that disrupt it are likely to be disease-causing. For these reasons, this variant has been classified as Pathogenic.

NM_001277115.2(DNAH11):c.13480_13489dup (p.Lys4497fs)

Genes: CDCA7L (cell division cycle associated 7 like; minus strand), DNAH11 (dynein axonemal heavy chain 11; plus strand). Cytogenetic location: 7p15.3.
Variant type: Duplication.
Coding change: c.13480_13489dup on transcript NM_001277115.2 (MANE Select); coding-DNA positions 13480 to 13489, 10 bases duplicated (TTCAGGCTGA; older notation c.13480_13489dupTTCAGGCTGA).
Protein change: p.Lys4497fs; shifts the reading frame from lysine 4497.
Molecular consequence: frameshift variant. On other transcripts: 3 prime UTR variant (3).
Genome position (GRCh38, 1-based): chr7:21,901,183-21,901,192, TTCAGGCTGA duplicated. VCF-style (leftmost placement, unchanged base first): chr7-21901182-C-CTTCAGGCTGA. GRCh37 (hg19) VCF-style: chr7-21940800-C-CTTCAGGCTGA.
Other names: c.*1130_*1139dup (NM_001127370.3, NM_001127371.3, NM_018719.5); short protein forms K4497fs.
Identifiers: ClinVar variation 2893769 (VCV002893769.3), dbSNP rs1784807172, ClinGen allele CA1099245748.